The following is an entry in ClinVar:

ClinVar aggregate classification (germline): Likely benign (0 of 4 stars; one submission).

Conditions:
APH1A-related disorder. Also called: APH1A-related condition.

Submission:

PreventionGenetics, part of Exact Sciences
Classification: Likely benign for APH1A-related condition. Last evaluated: 2020-04-24. Review status: no assertion criteria provided. Collection method: clinical testing. Allele origin: germline.
Comment: This variant is classified as likely benign based on ACMG/AMP sequence variant interpretation guidelines (Richards et al. 2015 PMID: 25741868, with internal and published modifications).

NM_001077628.3(APH1A):c.285-16CCCCA[4]

Gene: APH1A (aph-1 homolog A, gamma-secretase subunit; minus strand). Cytogenetic location: 1q21.2.
Variant type: Microsatellite.
Coding change: c.285-16CCCCA[4] on transcript NM_001077628.3 (MANE Select); four copies in a row of the 5-base unit CCCCA starting at c.285-16; the reference has three copies in a row; one copy, 5 bases duplicated.
Molecular consequence: splice acceptor variant. On other transcripts: intron variant (1).
Genome position (GRCh38, 1-based): chr1:150,267,791-150,267,795, TGGGG duplicated on the plus strand (CCCCA on the coding strand, the reverse complement: APH1A is on the minus strand); duplicating any 5 consecutive bases within chr1:150,267,791-150,267,806 gives the same sequence; the position shown is the placement nearest the transcript's 3' end. VCF-style (leftmost placement, unchanged base first): chr1-150267790-C-CTGGGG. GRCh37 (hg19) VCF-style: chr1-150240190-C-CTGGGG.
Other names: c.114-16CCCCA[4] (NM_001243771.2); c.148+152CCCCA[4] (NM_001243772.2); c.285-16CCCCA[4] (NM_016022.4).
Identifiers: ClinVar variation 3042111 (VCV003042111.2), dbSNP rs199564486, ClinGen allele CA1074678.